The following is an entry in ClinVar:

NM_003737.4(DCHS1):c.3802C>T (p.Pro1268Ser)

Gene: DCHS1 (dachsous cadherin-related 1; minus strand). Cytogenetic location: 11p15.4.
Variant type: single nucleotide variant.
Coding change: c.3802C>T on transcript NM_003737.4 (MANE Select); coding-DNA position 3802, C replaced by T.
Protein change: p.Pro1268Ser; replaces proline 1268 with serine.
Molecular consequence: missense variant.
Genome position (GRCh38, 1-based): chr11:6,631,181, G>A on the plus strand (C>T on the coding strand, the complement: DCHS1 is on the minus strand). VCF-style: chr11-6631181-G-A. GRCh37 (hg19) VCF-style: chr11-6652412-G-A.
Other names: short protein forms P1268S.
Identifiers: ClinVar variation 4691568 (VCV004691568.1).
Genomic context (GRCh38, chr11:6,631,181, plus strand): 5'-CATAGTGGGGCCGCTCTGCTCGGATCAGGGGAGCTGCAGTGAGCAGCTCCCCTGAGTGAG[G>A]GTGCAGAGAGAAAAGCTCTGAGCCAGGACCTGGGGACAGGCAGAGGAAGATGAGGGCTTG-3'
Protein context (NP_003728.1, residues 1258-1278): GPGSELFSLH[Pro1268Ser]HSGELLTAAP

ClinVar aggregate classification (germline): Uncertain significance (1 of 4 stars; one submission).

gnomAD v4.1: 4 of 1,611,408 alleles (0.00025%); highest among the groups gnomAD compares: African/African-American, 0.0013%; no homozygotes.

Submission:

Labcorp Genetics (formerly Invitae), Labcorp
Classification: Uncertain significance. Last evaluated: 2025-12-24. Review status: criteria provided, single submitter. Criteria: Invitae Variant Classification Sherloc (09022015). Collection method: clinical testing. Allele origin: germline.
Comment: This sequence change replaces proline, which is neutral and non-polar, with serine, which is neutral and polar, at codon 1268 of the DCHS1 protein (p.Pro1268Ser). This variant is present in population databases (no rsID available, gnomAD 0.01%). This variant has not been reported in the literature in individuals affected with DCHS1-related conditions. Invitae Evidence Modeling of protein sequence and biophysical properties (such as structural, functional, and spatial information, amino acid conservation, physicochemical variation, residue mobility, and thermodynamic stability) indicates that this missense variant is not expected to disrupt DCHS1 protein function with a negative predictive value of 80%. In summary, the available evidence is currently insufficient to determine the role of this variant in disease. Therefore, it has been classified as a Variant of Uncertain Significance.